The following is an entry in ClinVar:

NM_020738.4(KIDINS220):c.1022A>G (p.Lys341Arg)

Gene: KIDINS220 (kinase D interacting substrate 220; minus strand). Cytogenetic location: 2p25.1.
Variant type: single nucleotide variant.
Coding change: c.1022A>G on transcript NM_020738.4 (MANE Select); coding-DNA position 1022, A replaced by G.
Protein change: p.Lys341Arg; replaces lysine 341 with arginine.
Molecular consequence: missense variant. On other transcripts: non-coding transcript variant (2).
Genome position (GRCh38, 1-based): chr2:8,796,847, T>C on the plus strand (A>G on the coding strand, the complement: KIDINS220 is on the minus strand). VCF-style: chr2-8796847-T-C. GRCh37 (hg19) VCF-style: chr2-8936977-T-C.
Other names: c.1025A>G, p.Lys342Arg (NM_001348729.2, NM_001348731.2, NM_001348734.2 and 3 more transcripts); c.1022A>G, p.Lys341Arg (NM_001348732.2, NM_001348735.2, NM_001348738.2 and 3 more transcripts); c.1022A>G (NM_020738.2); c.896A>G, p.Lys299Arg (NM_001348736.2); short protein forms K299R, K341R, K342R.
Identifiers: ClinVar variation 1803899 (VCV001803899.3), dbSNP rs770697966, ClinGen allele CA1520277.

ClinVar aggregate classification (germline): Uncertain significance. Review status: criteria provided, multiple submitters, no conflicts (2 of 4 stars). 2 submissions from 2 submitters: Uncertain significance (2). Last evaluated 2025-01-14.

Conditions:
Ventriculomegaly and arthrogryposis. Identifiers: MedGen C5561973, MONDO:0859184, OMIM 619501.
Spastic paraplegia, intellectual disability, nystagmus, and obesity. Also called: Spastic paraplegia, intellectual disability, nystagmus, and obesity;. Identifiers: Orphanet 521390, MedGen C4284592, MONDO:0015007, OMIM 617296.
KIDINS220-related disorder. Also called: KIDINS220-related condition.

Allele frequency attached by ClinVar (database versions not stated): gnomAD 0.00001; TOPMed 0.00002; ExAC 0.00005.
gnomAD v4.1: 22 of 1,614,008 alleles (0.0014%); highest among the groups gnomAD compares: Non-Finnish European, 0.0017%; no homozygotes.

Submissions (2):

PreventionGenetics, part of Exact Sciences
Classification: Uncertain significance for KIDINS220-related condition. Last evaluated: 2025-01-14. Review status: criteria provided, single submitter. Criteria: ACMG Guidelines, 2015. Collection method: clinical testing. Allele origin: germline.
Comment: The KIDINS220 c.1022A>G variant is predicted to result in the amino acid substitution p.Lys341Arg. To our knowledge, this variant has not been reported in the literature. This variant is reported in 0.0071% of alleles in individuals of European (Non-Finnish) descent in gnomAD. At this time, the clinical significance of this variant is uncertain due to the absence of conclusive functional and genetic evidence.

New York Genome Center
Classification: Uncertain significance for Spastic paraplegia, intellectual disability, nystagmus, and obesity; Ventriculomegaly and arthrogryposis. Last evaluated: 2022-01-14. Review status: criteria provided, single submitter. Criteria: NYGC Assertion Criteria 2020. Collection method: clinical testing. Allele origin: germline. Observed: 1 heterozygote.